The following is an entry in ClinVar:

NM_000548.5(TSC2):c.1305C>T (p.His435=)

Gene: TSC2 (TSC complex subunit 2; plus strand). Cytogenetic location: 16p13.3.
Variant type: single nucleotide variant.
Coding change: c.1305C>T on transcript NM_000548.5 (MANE Select); coding-DNA position 1305, C replaced by T.
Protein change: p.His435=; no amino-acid change (histidine 435 retained).
Molecular consequence: synonymous variant.
Genome position (GRCh38, 1-based): chr16:2,062,544, C>T. VCF-style: chr16-2062544-C-T. GRCh37 (hg19) VCF-style: chr16-2112545-C-T.
Other names: c.1158C>T, p.His386= (NM_001318829.2); c.705C>T, p.His235= (NM_001318831.2); c.1338C>T, p.His446= (NM_001318832.2); c.1305C>T, p.His435= (NM_001363528.2, NM_001370404.1, NM_001370405.1 and 3 more transcripts); c.1194C>T, p.His398= (NM_001318827.2).
Identifiers: ClinVar variation 413696 (VCV000413696.12), dbSNP rs766461065, ClinGen allele CA16614914.
Genomic context (GRCh38, chr16:2,062,544, plus strand): 5'-CTTCTTTTGACAGGAGTCCTCCCTCCTGAACCTGATCTCCTATAGAGCGCAGTCCATCCA[C>T]CCGGCCAAGGACGGCTGGATTCAGAACCTGCAGGCGCTGATGGAGAGATTCTTCAGGTAG-3'
Protein context (NP_000539.2, residues 425-445): NLISYRAQSI[His435=]PAKDGWIQNL

ClinVar aggregate classification (germline): Benign/Likely benign. Review status: criteria provided, multiple submitters, no conflicts (2 of 4 stars). 3 submissions from 3 submitters: Benign (1); Likely benign (2). Last evaluated 2025-05-13.

Conditions:
Hereditary cancer-predisposing syndrome. Also called: Tumor predisposition; Neoplastic Syndromes, Hereditary; Hereditary Cancer Syndrome; Hereditary neoplastic syndrome. Identifiers: Orphanet 140162, MedGen C0027672, MeSH D009386, MONDO:0015356.
Tuberous sclerosis 2 (TSC2). Identifiers: Orphanet 805, MedGen C1860707, MONDO:0013199, OMIM 613254.

Allele frequency attached by ClinVar (database versions not stated): gnomAD exomes below 0.00001.
gnomAD v4.1: 1 of 1,612,656 alleles (0.000062%); highest among the groups gnomAD compares: Non-Finnish European, 0.000085%; no homozygotes.

Submissions (3):

Myriad Genetics, Inc.
Classification: Benign for Tuberous sclerosis 2. Last evaluated: 2025-05-13. Review status: criteria provided, single submitter. Criteria: Myriad Autosomal Dominant, Autosomal Recessive and X-Linked Classification Criteria (2023). Collection method: clinical testing. Allele origin: unknown.
Comment: This variant is considered benign. This variant is a silent/synonymous amino acid change and it is not expected to impact splicing.

Labcorp Genetics (formerly Invitae), Labcorp
Classification: Likely benign for Tuberous sclerosis 2. Last evaluated: 2025-03-25. Review status: criteria provided, single submitter. Criteria: Invitae Variant Classification Sherloc (09022015). Collection method: clinical testing. Allele origin: germline.

Ambry Genetics
Classification: Likely benign for Hereditary cancer-predisposing syndrome. Last evaluated: 2025-02-08. Review status: criteria provided, single submitter. Criteria: Ambry Variant Classification Scheme 2023. Collection method: clinical testing. Allele origin: germline.